The following is an entry in ClinVar:

ClinVar aggregate classification (germline): Likely pathogenic (0 of 4 stars; one submission).

Conditions:
Pyruvate dehydrogenase E1-alpha deficiency (PDHAD). Also called: ATAXIA, INTERMITTENT, WITH PYRUVATE DEHYDROGENASE DEFICIENCY; ATAXIA WITH LACTIC ACIDOSIS I; ATAXIA, INTERMITTENT, WITH ABNORMAL PYRUVATE METABOLISM; Ataxia, intermittent, with pyruvate dehydrogenase, or decarboxylase, deficiency. Identifiers: Orphanet 79243, MedGen C1839413, MONDO:0010717, OMIM 312170.

Submission:

PDHA1 Study Group, University Children’s Hospital, Paracelsus Medical University
Classification: Likely pathogenic for Pyruvate dehydrogenase E1-alpha deficiency. Last evaluated: 2024-10-15. Review status: no assertion criteria provided. Collection method: research. Allele origin: germline. Affected: yes. Observed: 1 variant allele.
Comment: The NM_000284.3:c.900-41_900-23del (p.?) variant affects splicing in PDHA1 gene. Last literature search: July 12, 2024. This variant is absent or extremely rare in population-based cohorts in the Genome Aggregation Database (gnomAD). Individuals harboring this variant presented with clinical features compatible with PDHA1-related PDHc deficiency. In summary, this variant meets criteria to be classified as likely pathogenic (LP) for PDHA1-related PDHc deficiency based on the ACMG/AMP criteria applied: PS3, PM2, PM7, PP3 (last assessment October 15, 2024).

Literature cited by the submitters: DOI 10.1093/brain/awaf430.

NM_000284.4(PDHA1):c.900-41_900-23del

Gene: PDHA1 (pyruvate dehydrogenase E1 subunit alpha 1; plus strand). Cytogenetic location: Xp22.12.
Variant type: Deletion.
Coding change: c.900-41_900-23del on transcript NM_000284.4 (MANE Select); 41 bases into the intron before coding-DNA position 900 through 23 bases into the intron before coding-DNA position 900, 19 bases deleted (ACTGCTCTTACTGATCGAT).
Molecular consequence: intron variant.
Genome position (GRCh38, 1-based): chrX:19,358,875-19,358,893, ACTGCTCTTACTGATCGAT deleted. VCF-style (leftmost placement, unchanged base first): chrX-19358874-AACTGCTCTTACTGATCGAT-A. GRCh37 (hg19) VCF-style: chrX-19376992-AACTGCTCTTACTGATCGAT-A.
Other names: c.1014-41_1014-23del (NM_001173454.2); c.921-41_921-23del (NM_001173455.2); c.807-41_807-23del (NM_001173456.2).
Identifiers: ClinVar variation 4070388 (VCV004070388.1).